The following is an entry in ClinVar:

NM_006231.4(POLE):c.6470T>C (p.Ile2157Thr)

Gene: POLE (DNA polymerase epsilon, catalytic subunit; minus strand). Cytogenetic location: 12q24.33.
Variant type: single nucleotide variant.
Coding change: c.6470T>C on transcript NM_006231.4 (MANE Select); coding-DNA position 6470, T replaced by C.
Protein change: p.Ile2157Thr; replaces isoleucine 2157 with threonine.
Molecular consequence: missense variant.
Genome position (GRCh38, 1-based): chr12:132,626,178, A>G on the plus strand (T>C on the coding strand, the complement: POLE is on the minus strand). VCF-style: chr12-132626178-A-G. GRCh37 (hg19) VCF-style: chr12-133202764-A-G.
Other names: short protein forms I2157T.
Identifiers: ClinVar variation 578791 (VCV000578791.10), dbSNP rs1566309064, ClinGen allele CA387367406.

ClinVar aggregate classification (germline): Uncertain significance (1 of 4 stars; one submission).

Submission:

Labcorp Genetics (formerly Invitae), Labcorp
Classification: Uncertain significance. Last evaluated: 2019-04-24. Review status: criteria provided, single submitter. Criteria: Invitae Variant Classification Sherloc (09022015). Collection method: clinical testing. Allele origin: germline.
Comment: In summary, the available evidence is currently insufficient to determine the role of this variant in disease. Therefore, it has been classified as a Variant of Uncertain Significance. Algorithms developed to predict the effect of missense changes on protein structure and function are either unavailable or do not agree on the potential impact of this missense change (SIFT: "Deleterious"; PolyPhen-2: "Benign"; Align-GVGD: "Class C0"). This variant has not been reported in the literature in individuals with POLE-related disease. This variant is not present in population databases (ExAC no frequency). This sequence change replaces isoleucine with threonine at codon 2157 of the POLE protein (p.Ile2157Thr). The isoleucine residue is moderately conserved and there is a moderate physicochemical difference between isoleucine and threonine.